The following is an entry in ClinVar:

NM_177402.5(SYT2):c.215C>G (p.Ala72Gly)

Gene: SYT2 (synaptotagmin 2; minus strand). Cytogenetic location: 1q32.1.
Variant type: single nucleotide variant.
Coding change: c.215C>G on transcript NM_177402.5 (MANE Select); coding-DNA position 215, C replaced by G.
Protein change: p.Ala72Gly; replaces alanine 72 with glycine.
Molecular consequence: missense variant.
Genome position (GRCh38, 1-based): chr1:202,604,585, G>C on the plus strand (C>G on the coding strand, the complement: SYT2 is on the minus strand). VCF-style: chr1-202604585-G-C. GRCh37 (hg19) VCF-style: chr1-202573713-G-C.
Other names: c.215C>G, p.Ala72Gly (NM_001136504.1); short protein forms A72G.
Identifiers: ClinVar variation 1973151 (VCV001973151.5), dbSNP rs1271157459, ClinGen allele CA344259465.

ClinVar aggregate classification (germline): Uncertain significance (1 of 4 stars; one submission).

Allele frequency attached by ClinVar (database versions not stated): gnomAD 0.00001.
gnomAD v4.1: 1 of 1,614,038 alleles (0.000062%); highest among the groups gnomAD compares: Admixed American, 0.0017%; no homozygotes.

Submission:

Labcorp Genetics (formerly Invitae), Labcorp
Classification: Uncertain significance. Last evaluated: 2022-05-23. Review status: criteria provided, single submitter. Criteria: Invitae Variant Classification Sherloc (09022015). Collection method: clinical testing. Allele origin: germline.
Comment: In summary, the available evidence is currently insufficient to determine the role of this variant in disease. Therefore, it has been classified as a Variant of Uncertain Significance. Algorithms developed to predict the effect of missense changes on protein structure and function are either unavailable or do not agree on the potential impact of this missense change (SIFT: "Deleterious"; PolyPhen-2: "Benign"; Align-GVGD: "Class C0"). This variant has not been reported in the literature in individuals affected with SYT2-related conditions. This variant is present in population databases (no rsID available, gnomAD 0.1%). This sequence change replaces alanine, which is neutral and non-polar, with glycine, which is neutral and non-polar, at codon 72 of the SYT2 protein (p.Ala72Gly).